The following is an entry in ClinVar:

ClinVar aggregate classification (germline): Pathogenic (1 of 4 stars; one submission).

Submission:

Labcorp Genetics (formerly Invitae), Labcorp
Classification: Pathogenic. Last evaluated: 2023-10-25. Review status: criteria provided, single submitter. Criteria: Invitae Variant Classification Sherloc (09022015). Collection method: clinical testing. Allele origin: germline.
Comment: This sequence change creates a premature translational stop signal (p.Glu360Argfs*2) in the MYO7A gene. It is expected to result in an absent or disrupted protein product. Loss-of-function variants in MYO7A are known to be pathogenic (PMID: 8900236, 25404053). This variant is not present in population databases (gnomAD no frequency). This variant has not been reported in the literature in individuals affected with MYO7A-related conditions. ClinVar contains an entry for this variant (Variation ID: 853315). For these reasons, this variant has been classified as Pathogenic.

Literature cited by the submitters: PubMed 8900236; PubMed 25404053.

NM_000260.4(MYO7A):c.1074del (p.Glu360fs)

Gene: MYO7A (myosin VIIA; plus strand). Cytogenetic location: 11q13.5.
Variant type: Deletion.
Coding change: c.1074del on transcript NM_000260.4 (MANE Select); coding-DNA position 1074, one base deleted (G; older notation c.1074delG).
Protein change: p.Glu360fs; shifts the reading frame from glutamic acid 360.
Molecular consequence: frameshift variant.
Genome position (GRCh38, 1-based): chr11:77,159,517, G deleted. VCF-style (leftmost placement, unchanged base first): chr11-77159516-TG-T. GRCh37 (hg19) VCF-style: chr11-76870562-TG-T.
Other names: c.1074del, p.Glu360fs (NM_001127180.2); c.1041del, p.Glu349fs (NM_001369365.1); short protein forms E349fs, E360fs.
Identifiers: ClinVar variation 853315 (VCV000853315.8), dbSNP rs1952797903, ClinGen allele CA916083268.